The following is an entry in ClinVar:

NM_004006.3(DMD):c.3091A>C (p.Lys1031Gln)

Gene: DMD (dystrophin; minus strand). Cytogenetic location: Xp21.1.
Variant type: single nucleotide variant.
Coding change: c.3091A>C on transcript NM_004006.3 (MANE Select); coding-DNA position 3091, A replaced by C.
Protein change: p.Lys1031Gln; replaces lysine 1031 with glutamine.
Molecular consequence: missense variant.
Genome position (GRCh38, 1-based): chrX:32,468,569, T>G on the plus strand (A>C on the coding strand, the complement: DMD is on the minus strand). VCF-style: chrX-32468569-T-G. GRCh37 (hg19) VCF-style: chrX-32486686-T-G.
Other names: c.3067A>C, p.Lys1023Gln (NM_000109.4); c.3079A>C, p.Lys1027Gln (NM_004009.3); c.2722A>C, p.Lys908Gln (NM_004010.3); short protein forms K1027Q, K1023Q, K1031Q, K908Q.
Identifiers: ClinVar variation 5035384 (VCV005035384.1).
Genomic context (GRCh38, chrX:32,468,569, plus strand): 5'-GGAGTTTATTCATTTGCTCCTCTAGCTTTTGACAATGCTCAACCAGCTGGGAGGAGAGCT[T>G]CTTCCAGCGTCCCTCAATTTCTTCAAATTCTGATTGATATTTCCGGCTAATTTCAGAGGG-3'
Protein context (NP_003997.2, residues 1021-1041): EFEEIEGRWK[Lys1031Gln]LSSQLVEHCQ

ClinVar aggregate classification (germline): Uncertain significance (1 of 4 stars; one submission).

Conditions:
Cardiovascular phenotype. Identifiers: MedGen CN230736.

Submission:

Ambry Genetics
Classification: Uncertain significance for Cardiovascular phenotype. Last evaluated: 2026-07-09. Review status: criteria provided, single submitter. Criteria: Ambry Variant Classification Scheme 2023. Collection method: clinical testing. Allele origin: germline.
Comment: The p.K1031Q variant (also known as c.3091A>C), located in coding exon 23 of the DMD gene, results from an A to C substitution at nucleotide position 3091. The lysine at codon 1031 is replaced by glutamine, an amino acid with similar properties. This amino acid position is conserved. In addition, this alteration is predicted to be tolerated by in silico analysis. Based on the available evidence, the clinical significance of this variant remains unclear.